The following is an entry in ClinVar:

ClinVar aggregate classification (germline): Uncertain significance. Review status: criteria provided, multiple submitters, no conflicts (2 of 4 stars). 2 submissions from 2 submitters: Uncertain significance (2). Last evaluated 2025-07-02.

Conditions:
Renal coloboma syndrome (PAPRS). Also called: PAPILLORENAL SYNDROME; RENAL-COLOBOMA SYNDROME WITH MACULAR ABNORMALITIES; COLOBOMA OF OPTIC NERVE WITH RENAL DISEASE; OPTIC COLOBOMA, VESICOURETERAL REFLUX, AND RENAL ANOMALIES; OPTIC NERVE COLOBOMA WITH RENAL DISEASE; CONGENITAL ANOMALIES OF THE KIDNEY AND URINARY TRACT WITH OR WITHOUT OCULAR ABNORMALITIES. Identifiers: Orphanet 1475, MedGen C1852759, MONDO:0007352, OMIM 120330.
Focal segmental glomerulosclerosis 7 (FSGS7). Identifiers: Orphanet 656, MedGen C4014925, MONDO:0014451, OMIM 616002.

Submissions (2):

Labcorp Genetics (formerly Invitae), Labcorp
Classification: Uncertain significance for Renal coloboma syndrome; Focal segmental glomerulosclerosis 7. Last evaluated: 2025-07-02. Review status: criteria provided, single submitter. Criteria: Invitae Variant Classification Sherloc (09022015). Collection method: clinical testing. Allele origin: germline.
Comment: This sequence change replaces threonine, which is neutral and polar, with asparagine, which is neutral and polar, at codon 334 of the PAX2 protein (p.Thr334Asn). This variant is not present in population databases (gnomAD no frequency). This variant has not been reported in the literature in individuals affected with PAX2-related conditions. ClinVar contains an entry for this variant (Variation ID: 2128010). Experimental studies and prediction algorithms are not available or were not evaluated, and the functional significance of this variant is currently unknown. In summary, the available evidence is currently insufficient to determine the role of this variant in disease. Therefore, it has been classified as a Variant of Uncertain Significance.

Fulgent Genetics
Classification: Uncertain significance for Renal coloboma syndrome; Focal segmental glomerulosclerosis 7. Last evaluated: 2024-02-19. Review status: criteria provided, single submitter. Criteria: ACMG Guidelines, 2015. Collection method: clinical testing. Allele origin: germline.

NM_000278.5(PAX2):c.1001C>A (p.Thr334Asn)

Gene: PAX2 (paired box 2; plus strand). Cytogenetic location: 10q24.31.
Variant type: single nucleotide variant.
Coding change: c.1001C>A on transcript NM_000278.5 (MANE Select); coding-DNA position 1001, C replaced by A.
Protein change: p.Thr334Asn; replaces threonine 334 with asparagine.
Molecular consequence: missense variant.
Genome position (GRCh38, 1-based): chr10:100,824,729, C>A. VCF-style: chr10-100824729-C-A. GRCh37 (hg19) VCF-style: chr10-102584486-C-A.
Other names: c.1094C>A, p.Thr365Asn (NM_001304569.2); c.1070C>A, p.Thr357Asn (NM_003987.5, NM_003990.5); c.1001C>A, p.Thr334Asn (NM_003988.5, NM_003989.5); short protein forms T365N, T334N, T357N.
Identifiers: ClinVar variation 2128010 (VCV002128010.5), dbSNP rs1425852939, ClinGen allele CA378259676.
Genomic context (GRCh38, chr10:100,824,729, plus strand): 5'-CTCTGCCTGGTTACCCCCCTCACGTGCCCCCCACTGGCCAGGGAAGCTACCCCACCTCCA[C>A]CCTGGCAGGAATGGTGCCTGGTAGGTGACAATGCTGCAGCTGCCTAATCTAGGTGGGGGG-3'
Protein context (NP_000269.3, residues 324-344): PTGQGSYPTS[Thr334Asn]LAGMVPGSEF